The following is an entry in ClinVar:

ClinVar aggregate classification (germline): Pathogenic. Review status: criteria provided, multiple submitters, no conflicts (2 of 4 stars). 10 submissions from 10 submitters: Pathogenic (10). Last evaluated 2025-08-06.

Conditions:
GFPT1-related myasthenic syndrome.
Congenital myasthenic syndrome 12 (CMS12). Also called: MYASTHENIC SYNDROME, CONGENITAL, WITH TUBULAR AGGREGATES 1; Myasthenia, congenital, 12, with tubular aggregates. Identifiers: Orphanet 353327, Orphanet 590, MedGen C3552335, MONDO:0012518, OMIM 610542.
Abnormality of the musculature. Identifiers: MedGen C4021745, HP:0003011.
Congenital myasthenic syndrome 4C (CMS4C). Also called: Myasthenic syndrome, congenital, associated with acetylcholine receptor deficiency. Identifiers: Orphanet 590, MedGen C1837091, MONDO:0012157, OMIM 608931.
GFPT1-related disorder. Also called: GFPT1-related condition.

Allele frequency attached by ClinVar (database versions not stated): gnomAD 0.00001 and 0.00002; gnomAD exomes 0.00002; TOPMed 0.00002.
gnomAD v4.1: 18 of 1,589,450 alleles (0.0011%); highest among the groups gnomAD compares: Admixed American, 0.019%; no homozygotes.

Submissions (10):

PreventionGenetics, part of Exact Sciences
Classification: Pathogenic for GFPT1-related condition. Last evaluated: 2025-08-06. Review status: criteria provided, single submitter. Criteria: ACMG Guidelines, 2015. Collection method: clinical testing. Allele origin: germline.
Comment: The GFPT1 c.686-2A>G variant is predicted to disrupt the AG splice acceptor site and interfere with normal splicing. This variant has been reported in the homozygous or compound heterozygous state in multiple individuals with congenital myasthenic syndrome (see for example, Selcen et al. 2013. PubMed ID: 23794683; Yiş U et al. 2017. PubMed ID: 28464723; Natera-de Benito et al. 2017. PubMed ID: 29054425). An in vitro functional study suggests this variant impacts protein function (Patient 6 in Figure 3, Selcen et al. 2013. PubMed ID: 23794683). This variant is reported in 0.015% of alleles in individuals of Latino descent in gnomAD. Variants that disrupt the consensus splice acceptor site in GFPT1 are expected to be pathogenic. This variant is interpreted as pathogenic.

Labcorp Genetics (formerly Invitae), Labcorp
Classification: Pathogenic for Congenital myasthenic syndrome 12. Last evaluated: 2025-07-02. Review status: criteria provided, single submitter. Criteria: Invitae Variant Classification Sherloc (09022015). Collection method: clinical testing. Allele origin: germline.
Comment: This sequence change affects an acceptor splice site in intron 8 of the GFPT1 gene. RNA analysis indicates that disruption of this splice site induces altered splicing and may result in an absent or disrupted protein product. RNA analysis indicates that disruption of this splice site induces altered splicing and may result in an absent or altered protein product. This variant is present in population databases (no rsID available, gnomAD 0.02%). Disruption of this splice site has been observed in individuals with congenital myasthenic syndrome (PMID: 23794683, 28464723, 29054425). ClinVar contains an entry for this variant (Variation ID: 540353). Studies have shown that disruption of this splice site results in deletion of the first 4 nucleotides of the muscle-specific exon of GFPT1, and produces a non-functional protein and/or introduces a premature termination codon (PMID: 23794683). For these reasons, this variant has been classified as Pathogenic.

CeGaT Center for Human Genetics Tuebingen
Classification: Pathogenic. Last evaluated: 2023-09-01. Review status: criteria provided, single submitter. Criteria: CeGaT Center For Human Genetics Tuebingen Variant Classification Criteria Version 2. Collection method: clinical testing. Allele origin: germline. Affected: yes. Observed: 1 variant allele.
Comment: GFPT1: PVS1, PM3, PM2:Supporting, PS3:Supporting

Revvity Omics, Revvity
Classification: Pathogenic for Congenital myasthenic syndrome 12. Last evaluated: 2023-06-15. Review status: criteria provided, single submitter. Criteria: ACMG Guidelines, 2015. Collection method: clinical testing. Allele origin: germline.

Broad Center for Mendelian Genomics, Broad Institute of MIT and Harvard
Classification: Pathogenic for Congenital myasthenic syndrome 12. Last evaluated: 2023-05-02. Review status: criteria provided, single submitter. Criteria: ACMG Guidelines, 2015. Collection method: curation. Allele origin: germline. Inheritance: Autosomal recessive inheritance.
Comment: The c.686-2A>G variant in GFPT1 has been previously reported in at least four unrelated individuals with congenital myasthenic syndrome 12 (PMID: 28464723, PMID: 29054425, PMID: 32403337, PMID: 32528171, PMID: 23794683) but has been identified in 0.015% (5/33776) of Latino/Admixed American chromosomes by the Genome Aggregation Database (gnomAD; dbSNP ID: rs772941684). Although this variant has been seen in the general population in a heterozygous state, its frequency is not high enough to rule out a pathogenic role. This variant has also been reported in ClinVar (Variation ID: 540353) and has been interpreted as pathogenic by Invitae, Illumina, 3billion, Pars Genome Lab, and Kariminejad - Najmabadi Pathology & Genetics Center. Of these four individuals with congenital myasthenic syndrome 12 (PMID: 28464723, PMID: 29054425, PMID: 32403337, PMID: 32528171, PMID: 23794683), three were homozygotes (PMID: 28464723, PMID: 29054425, PMID: 32403337, PMID: 32528171) and one was a compound heterozygote who carried a likely pathogenic variant in trans (PMID: 23794683, ClinVar Variation ID: 859066), which increases the likelihood that the c.686-2A>G variant is pathogenic. RT-PCR and cDNA analysis of patient muscle tissue showed that the c.686-2A>G variant resulted in a 4 base-pair deletion of the muscle-specific exon of GFPT1, leading to frameshift and a premature stop codon 56 amino acids downstream (PMID: 23794683). This variant is located in the 3' splice region. Computational tools predict a splicing impact, though this information is not predictive enough to determine pathogenicity. Loss of function of the GFPT1 gene is strongly associated to autosomal recessive congenital myasthenic syndrome 12. In summary, this variant meets criteria to be classified as pathogenic for autosomal recessive congenital myasthenic syndrome 12. ACMG/AMP Criteria applied: PVS1_Strong, PM3_Strong, PS3_Supporting (Richards 2015).

Fulgent Genetics
Classification: Pathogenic for Congenital myasthenic syndrome 4C; Congenital myasthenic syndrome 12. Last evaluated: 2022-05-12. Review status: criteria provided, single submitter. Criteria: ACMG Guidelines, 2015. Collection method: clinical testing. Allele origin: unknown.

Illumina Laboratory Services, Illumina
Classification: Pathogenic for GFPT1-related myasthenic syndrome. Last evaluated: 2022-01-04. Review status: criteria provided, single submitter. Criteria: ICSLVariantClassificationCriteria RUGD 01 April 2020. Collection method: clinical testing. Allele origin: unknown.
Comment: The GFPT1 c.686-2A>G variant results in the substitution of an adenine within the consensus splice acceptor site with a guanine, which may result in splicing defects. Across a selection of the available literature, this variant has been identified in at least five individuals with a congenital myasthenic syndrome or limb-girdle muscle weakness, including in a confirmed or presumed homozygous state in four individuals, and in a compound heterozygous state in one individual (Selcen et al. 2013; Yiş et al. 2017; Natera-de Benito et al. 2017; Gonzalez-Quereda et al. 2020; Töpf et al. 2020). The highest frequency of this allele in the Genome Aggregation Database is 0.000148 in the Latino/Admixed American population (version 2.1.1). This variant precedes the muscle-specific exon of GFPT1, and patient cDNA studies have shown that it eliminates the first four nucleotides of this exon and results in missense changes of 56 amino acids and a premature stop codon (Selcen et al. 2013). This variant was identified in a homozygous state. Based on the available evidence, the c.686-2A>G variant is classified as pathogenic for GFPT1-related myasthenic syndrome.

3billion
Classification: Pathogenic for Congenital myasthenic syndrome 12. Last evaluated: 2022-01-03. Review status: criteria provided, single submitter. Criteria: ACMG Guidelines, 2015. Collection method: clinical testing. Allele origin: germline. Affected: yes. Observed: 1 homozygote.
Comment: Canonical splice site: predicted to alter splicing and result in a loss or disruption of normal protein function through protein truncation. Multiple pathogenic variants are reported in the predicted truncated region (PVS1_VS).The variant has been reported at least twice as pathogenic/likely pathogenic with clinical assertions and evidence for the classification (ClinVar ID: VCV000540353). It is observed at an extremely low frequency in the gnomAD v2.1.1 dataset (total allele frequency: 0.000024, PM2_M). The variant has been reported to be in trans with a pathogenic variant as either compound heterozygous or homozygous in at least one similarly affected unrelated individual (PMID:23794683, PM3_M). Therefore, this variant is classified as pathogenic according to the recommendation of ACMG/AMP guideline.

Pars Genome Lab
Classification: Pathogenic for Congenital myasthenic syndrome 12. Last evaluated: 2021-10-04. Review status: criteria provided, single submitter. Criteria: ACMG Guidelines, 2015. Collection method: clinical testing. Allele origin: germline. Inheritance: Autosomal recessive inheritance. Affected: yes.

Kariminejad - Najmabadi Pathology & Genetics Center
Classification: Pathogenic for Abnormality of the musculature. Last evaluated: 2021-07-10. Review status: criteria provided, single submitter. Criteria: ACMG Guidelines, 2015. Collection method: clinical testing. Allele origin: germline. Affected: yes.

Literature cited by the submitters: PubMed 23794683 (cited by 3 submitters); PubMed 28464723 (cited by Labcorp Genetics (formerly Invitae), Labcorp and Illumina Laboratory Services, Illumina); PubMed 29054425 (cited by Labcorp Genetics (formerly Invitae), Labcorp and Illumina Laboratory Services, Illumina); PubMed 32403337 (cited by Illumina Laboratory Services, Illumina); PubMed 32528171 (cited by Illumina Laboratory Services, Illumina).

NM_001244710.2(GFPT1):c.686-2A>G

Gene: GFPT1 (glutamine--fructose-6-phosphate transaminase 1; minus strand). Cytogenetic location: 2p13.3.
Variant type: single nucleotide variant.
Coding change: c.686-2A>G on transcript NM_001244710.2 (MANE Select); the canonical splice acceptor site of the intron before coding-DNA position 686, A replaced by G.
Molecular consequence: splice acceptor variant. On other transcripts: intron variant (1).
Genome position (GRCh38, 1-based): chr2:69,354,314, T>C on the plus strand (A>G on the coding strand, the complement: GFPT1 is on the minus strand). VCF-style: chr2-69354314-T-C. GRCh37 (hg19) VCF-style: chr2-69581446-T-C.
Other names: c.685+175A>G (NM_002056.4).
Identifiers: ClinVar variation 540353 (VCV000540353.68), dbSNP rs1011196447, ClinGen allele CA49524691.